The following is an entry in ClinVar:

NM_139276.3(STAT3):c.*211A>C

Gene: STAT3 (signal transducer and activator of transcription 3; minus strand). Cytogenetic location: 17q21.2.
Variant type: single nucleotide variant.
Coding change: c.*211A>C on transcript NM_139276.3 (MANE Select); 211 bases downstream of the stop codon, A replaced by C.
Molecular consequence: 3 prime UTR variant.
Genome position (GRCh38, 1-based): chr17:42,315,534, T>G on the plus strand (A>C on the coding strand, the complement: STAT3 is on the minus strand). VCF-style: chr17-42315534-T-G. GRCh37 (hg19) VCF-style: chr17-40467552-T-G.
Other names: c.*211A>C (NM_001369512.1, NM_001369513.1, NM_001369514.1 and 10 more transcripts); c.*305A>C (NM_001369517.1, NM_001369518.1, NM_001369519.1 and 4 more transcripts).
Identifiers: ClinVar variation 323240 (VCV000323240.5), dbSNP rs41289087, ClinGen allele CA10649259.

ClinVar aggregate classification (germline): Benign (1 of 4 stars; one submission).

Conditions:
Hyper-IgE recurrent infection syndrome 1, autosomal dominant. Also called: HYPER-IgE SYNDROME 1, AUTOSOMAL DOMINANT, WITH RECURRENT INFECTIONS; JOB SYNDROME; Job's Syndrome; STAT3 Hyper IgE Syndrome; Hyper-IgE recurrent infection syndrome 1. Identifiers: Orphanet 2314, MedGen C2936739, MONDO:0007818, OMIM 147060.

Allele frequency attached by ClinVar (database versions not stated): 1000 Genomes Project 0.00220; gnomAD 0.00248 and 0.00255; 1000 Genomes Project 30x 0.00250; TOPMed 0.00272; gnomAD exomes 0.00330.
gnomAD v4.1: 1,991 of 629,776 alleles (0.32%); highest among the groups gnomAD compares: Non-Finnish European, 0.39%; 9 homozygotes.

Submission:

Illumina Laboratory Services, Illumina
Classification: Benign for Hyper-IgE recurrent infection syndrome 1, autosomal dominant. Last evaluated: 2018-01-13. Review status: criteria provided, single submitter. Criteria: ICSL Variant Classification Criteria 13 December 2019. Collection method: clinical testing. Allele origin: germline.
Comment: This variant was observed in the ICSL laboratory as part of a predisposition screen in an ostensibly healthy population. It had not been previously curated by ICSL or reported in the Human Gene Mutation Database (HGMD: prior to June 1st, 2018), and was therefore a candidate for classification through an automated scoring system. Utilizing variant allele frequency, disease prevalence and penetrance estimates, and inheritance mode, an automated score was calculated to assess if this variant is too frequent to cause the disease. Based on the score and internal cut-off values, a variant classified as benign is not then subjected to further curation. The score for this variant resulted in a classification of benign for this disease.